The following is an entry in ClinVar:

ClinVar aggregate classification (germline): Uncertain significance (1 of 4 stars; one submission).

gnomAD v4.1: 1 of 1,613,180 alleles (0.000062%); highest among the groups gnomAD compares: Non-Finnish European, 0.000085%; no homozygotes.

Submission:

Labcorp Genetics (formerly Invitae), Labcorp
Classification: Uncertain significance. Last evaluated: 2025-11-03. Review status: criteria provided, single submitter. Criteria: Invitae Variant Classification Sherloc (09022015). Collection method: clinical testing. Allele origin: germline.
Comment: This sequence change replaces valine, which is neutral and non-polar, with alanine, which is neutral and non-polar, at codon 1319 of the KMT2A protein (p.Val1319Ala). This variant is not present in population databases (gnomAD no frequency). This variant has not been reported in the literature in individuals affected with KMT2A-related conditions. Invitae Evidence Modeling of protein sequence and biophysical properties (such as structural, functional, and spatial information, amino acid conservation, physicochemical variation, residue mobility, and thermodynamic stability) indicates that this missense variant is not expected to disrupt KMT2A protein function with a negative predictive value of 95%. In summary, the available evidence is currently insufficient to determine the role of this variant in disease. Therefore, it has been classified as a Variant of Uncertain Significance.

NM_001197104.2(KMT2A):c.3956T>C (p.Val1319Ala)

Gene: KMT2A (lysine methyltransferase 2A; plus strand). Cytogenetic location: 11q23.3.
Variant type: single nucleotide variant.
Coding change: c.3956T>C on transcript NM_001197104.2 (MANE Select); coding-DNA position 3956, T replaced by C.
Protein change: p.Val1319Ala; replaces valine 1319 with alanine.
Molecular consequence: missense variant.
Genome position (GRCh38, 1-based): chr11:118,482,036, T>C. VCF-style: chr11-118482036-T-C. GRCh37 (hg19) VCF-style: chr11-118352751-T-C.
Other names: c.4055T>C, p.Val1352Ala (NM_001412597.1); c.3956T>C, p.Val1319Ala (NM_005933.4); short protein forms V1352A, V1319A.
Identifiers: ClinVar variation 4777771 (VCV004777771.1).